The following is an entry in ClinVar:

NM_024642.5(GALNT12):c.929T>A (p.Met310Lys)

Gene: GALNT12 (polypeptide N-acetylgalactosaminyltransferase 12; plus strand). Cytogenetic location: 9q22.33.
Variant type: single nucleotide variant.
Coding change: c.929T>A on transcript NM_024642.5 (MANE Select); coding-DNA position 929, T replaced by A.
Protein change: p.Met310Lys; replaces methionine 310 with lysine.
Molecular consequence: missense variant.
Genome position (GRCh38, 1-based): chr9:98,835,260, T>A. VCF-style: chr9-98835260-T-A. GRCh37 (hg19) VCF-style: chr9-101597542-T-A.
Other names: short protein forms M310K.
Identifiers: ClinVar variation 2492957 (VCV002492957.3), dbSNP rs2490527185, ClinGen allele CA374219337.

ClinVar aggregate classification (germline): Uncertain significance (1 of 4 stars; one submission).

Allele frequency attached by ClinVar (database versions not stated): gnomAD exomes below 0.00001.
gnomAD v4.1: 2 of 1,612,512 alleles (0.00012%); highest among the groups gnomAD compares: Non-Finnish European, 0.00017%; no homozygotes.

Submission:

Ambry Genetics
Classification: Uncertain significance. Last evaluated: 2025-08-01. Review status: criteria provided, single submitter. Criteria: Ambry Variant Classification Scheme 2023. Collection method: clinical testing. Allele origin: germline.
Comment: The p.M310K variant (also known as c.929T>A), located in coding exon 5 of the GALNT12 gene, results from a T to A substitution at nucleotide position 929. The methionine at codon 310 is replaced by lysine, an amino acid with similar properties. This amino acid position is conserved. In addition, this alteration is predicted to be deleterious by in silico analysis. Based on the available evidence, the clinical significance of this variant remains unclear.